The following is an entry in ClinVar:

ClinVar aggregate classification (germline): Uncertain significance (1 of 4 stars; one submission).

Submission:

GeneDx
Classification: Uncertain significance. Last evaluated: 2024-04-01. Review status: criteria provided, single submitter. Criteria: GeneDx Variant Classification Process June 2021. Collection method: clinical testing. Allele origin: germline. Affected: yes.
Comment: Not observed at significant frequency in large population cohorts (gnomAD); In silico analysis supports that this missense variant has a deleterious effect on protein structure/function; Has not been previously published as pathogenic or benign to our knowledge

NM_004970.3(IGFALS):c.89C>T (p.Pro30Leu)

Gene: IGFALS (insulin like growth factor binding protein acid labile subunit; minus strand). Cytogenetic location: 16p13.3.
Variant type: single nucleotide variant.
Coding change: c.89C>T on transcript NM_004970.3 (MANE Select); coding-DNA position 89, C replaced by T.
Protein change: p.Pro30Leu; replaces proline 30 with leucine.
Molecular consequence: missense variant. On other transcripts: non-coding transcript variant (1).
Genome position (GRCh38, 1-based): chr16:1,792,329, G>A on the plus strand (C>T on the coding strand, the complement: IGFALS is on the minus strand). VCF-style: chr16-1792329-G-A. GRCh37 (hg19) VCF-style: chr16-1842330-G-A.
Other names: c.203C>T, p.Pro68Leu (NM_001146006.2); short protein forms P30L, P68L.
Identifiers: ClinVar variation 3371948 (VCV003371948.1).